The following is an entry in ClinVar:

ClinVar aggregate classification (germline): Benign (1 of 4 stars; one submission).

Submission:

GeneDx
Classification: Benign. Last evaluated: 2018-06-14. Review status: criteria provided, single submitter. Criteria: GeneDx Variant Classification (06012015). Collection method: clinical testing. Allele origin: germline. Affected: yes.
Comment: This variant is considered likely benign or benign based on one or more of the following criteria: it is a conservative change, it occurs at a poorly conserved position in the protein, it is predicted to be benign by multiple in silico algorithms, and/or has population frequency not consistent with disease.

NM_000393.5(COL5A2):c.3039+282_3039+288del

Gene: COL5A2 (collagen type V alpha 2 chain; minus strand). Cytogenetic location: 2q32.2.
Variant type: Deletion.
Coding change: c.3039+282_3039+288del on transcript NM_000393.5 (MANE Select); bases 282 to 288 of the intron after coding-DNA position 3039, 7 bases deleted (TCCCGGA; older notation c.3039+282_3039+288delTCCCGGA).
Molecular consequence: intron variant.
Genome position (GRCh38, 1-based): chr2:189,050,281-189,050,287, TCCGGGA deleted on the plus strand (TCCCGGA on the coding strand, the reverse complement: COL5A2 is on the minus strand); deleting any 7 consecutive bases within chr2:189,050,281-189,050,289 gives the same sequence; the c. name uses the placement nearest the transcript's 3' end. VCF-style (leftmost placement, unchanged base first): chr2-189050280-CTCCGGGA-C. GRCh37 (hg19) VCF-style: chr2-189915006-CTCCGGGA-C.
Identifiers: ClinVar variation 681213 (VCV000681213.1), dbSNP rs11277110, ClinGen allele CA62594832.
Genomic context (GRCh38, chr2:189,050,280, plus strand): 5'-TAAGCATGTTTACTTAAAAAGACACTACCTATTCACCAGAAGATTATCCCCCTCCTCTAG[CTCCGGGA>C]TCTTTTTAATCTTTGAAGAAGGATTTAAAGGTCACCAAAAATCCATATCCTTATTTGCCT-3'